The following is an entry in ClinVar:

NM_001035.3(RYR2):c.11242A>G (p.Lys3748Glu)

Gene: RYR2 (ryanodine receptor 2; plus strand). Cytogenetic location: 1q43.
Variant type: single nucleotide variant.
Coding change: c.11242A>G on transcript NM_001035.3 (MANE Select); coding-DNA position 11242, A replaced by G.
Protein change: p.Lys3748Glu; replaces lysine 3748 with glutamic acid.
Molecular consequence: missense variant.
Genome position (GRCh38, 1-based): chr1:237,756,384, A>G. VCF-style: chr1-237756384-A-G. GRCh37 (hg19) VCF-style: chr1-237919684-A-G.
Other names: short protein forms K3748E.
Identifiers: ClinVar variation 922561 (VCV000922561.4), dbSNP rs1692955012, ClinGen allele CA345425955.

ClinVar aggregate classification (germline): Uncertain significance (1 of 4 stars; one submission).

Conditions:
Cardiomyopathy (CMYO). Also called: Cardiomyopathies. Identifiers: Orphanet 167848, MedGen C0878544, MONDO:0004994, HP:0001638. Inheritance: Various modes of inheritance.

Submission:

Color Diagnostics, LLC DBA Color Health
Classification: Uncertain significance for Cardiomyopathy. Last evaluated: 2024-03-06. Review status: criteria provided, single submitter. Criteria: ACMG Guidelines, 2015. Collection method: clinical testing. Allele origin: germline.
Comment: This missense variant replaces lysine with glutamic acid at codon 3748 of the RYR2 protein. Computational prediction suggests that this variant may have deleterious impact on protein structure and function (internally defined REVEL score threshold >= 0.7, PMID: 27666373). Splice site prediction tools suggest that this variant may not impact RNA splicing. To our knowledge, functional studies have not been performed for this variant. This variant has not been reported in individuals affected with cardiovascular disorders in the literature. This variant has not been identified in the general population by the Genome Aggregation Database (gnomAD). The available evidence is insufficient to determine the role of this variant in disease conclusively. Therefore, this variant is classified as a Variant of Uncertain Significance.